The following is an entry in ClinVar:

NM_004360.5(CDH1):c.629A>C (p.Glu210Ala)

Gene: CDH1 (cadherin 1; plus strand). Cytogenetic location: 16q22.1.
Variant type: single nucleotide variant.
Coding change: c.629A>C on transcript NM_004360.5 (MANE Select); coding-DNA position 629, A replaced by C.
Protein change: p.Glu210Ala; replaces glutamic acid 210 with alanine.
Molecular consequence: missense variant. On other transcripts: 5 prime UTR variant (2).
Genome position (GRCh38, 1-based): chr16:68,808,790, A>C. VCF-style: chr16-68808790-A-C. GRCh37 (hg19) VCF-style: chr16-68842693-A-C.
Other names: c.629A>C, p.Glu210Ala (NM_001317184.2); c.-987A>C (NM_001317185.2); c.-1191A>C (NM_001317186.2); short protein forms E210A.
Identifiers: ClinVar variation 1752681 (VCV001752681.2), dbSNP rs2152130207, ClinGen allele CA396458044.

ClinVar aggregate classification (germline): Uncertain significance (1 of 4 stars; one submission).

Conditions:
Hereditary cancer-predisposing syndrome. Also called: Hereditary Cancer Syndrome; Hereditary neoplastic syndrome; Neoplastic Syndromes, Hereditary; Tumor predisposition. Identifiers: Orphanet 140162, MedGen C0027672, MeSH D009386, MONDO:0015356.

Submission:

Ambry Genetics
Classification: Uncertain significance for Hereditary cancer-predisposing syndrome. Last evaluated: 2021-08-19. Review status: criteria provided, single submitter. Criteria: Ambry Variant Classification Scheme 2023. Collection method: clinical testing. Allele origin: germline.
Comment: The p.E210A variant (also known as c.629A>C), located in coding exon 5 of the CDH1 gene, results from an A to C substitution at nucleotide position 629. The glutamic acid at codon 210 is replaced by alanine, an amino acid with dissimilar properties. This amino acid position is not well conserved in available vertebrate species. In addition, this alteration is predicted to be tolerated by in silico analysis. Since supporting evidence is limited at this time, the clinical significance of this alteration remains unclear.